The following is an entry in ClinVar:

NM_012123.4(MTO1):c.1658A>G (p.Tyr553Cys)

Gene: MTO1 (mitochondrial tRNA translation optimization 1; plus strand). Cytogenetic location: 6q13.
Variant type: single nucleotide variant.
Coding change: c.1658A>G on transcript NM_012123.4 (MANE Select); coding-DNA position 1658, A replaced by G.
Protein change: p.Tyr553Cys; replaces tyrosine 553 with cysteine.
Molecular consequence: missense variant.
Genome position (GRCh38, 1-based): chr6:73,492,254, A>G. VCF-style: chr6-73492254-A-G. GRCh37 (hg19) VCF-style: chr6-74201977-A-G.
Other names: c.1778A>G, p.Tyr593Cys (NM_001123226.2); c.1733A>G, p.Tyr578Cys (NM_133645.3); short protein forms Y553C, Y578C, Y593C.
Identifiers: ClinVar variation 1952320 (VCV001952320.2), dbSNP rs144540811, ClinGen allele CA3889727.
Genomic context (GRCh38, chr6:73,492,254, plus strand): 5'-CATGGATCCTTATGTTAATGAAACTTTCATATATTTGCAGAGCTCTCGATGTTCTGAAGT[A>G]TGAGGAAGTTGACATGGATTCATTAGCCAAGGCTGTTCCAGAGCCCTTGAAGAAGTATAC-3'
Protein context (NP_036255.2, residues 543-563): LPVRALDVLK[Tyr553Cys]EEVDMDSLAK

ClinVar aggregate classification (germline): Uncertain significance (1 of 4 stars; one submission).

Conditions:
Mitochondrial hypertrophic cardiomyopathy with lactic acidosis due to MTO1 deficiency. Also called: Combined oxidative phosphorylation deficiency 10; CARDIOMYOPATHY, INFANTILE HYPERTROPHIC MITOCHONDRIAL, AND LACTIC ACIDOSIS. Identifiers: Orphanet 314637, MedGen C4749921, MONDO:0013865, OMIM 614702.

Allele frequency attached by ClinVar (database versions not stated): gnomAD 0.00001; ExAC 0.00002; TOPMed 0.00002; gnomAD exomes 0.00003; ESP Exome Variant Server 0.00008.
gnomAD v4.1: 42 of 1,612,884 alleles (0.0026%); highest among the groups gnomAD compares: Non-Finnish European, 0.0035%; no homozygotes.

Submission:

Labcorp Genetics (formerly Invitae), Labcorp
Classification: Uncertain significance for Mitochondrial hypertrophic cardiomyopathy with lactic acidosis due to MTO1 deficiency. Last evaluated: 2022-10-22. Review status: criteria provided, single submitter. Criteria: Invitae Variant Classification Sherloc (09022015). Collection method: clinical testing. Allele origin: germline.
Comment: This sequence change replaces tyrosine, which is neutral and polar, with cysteine, which is neutral and slightly polar, at codon 553 of the MTO1 protein (p.Tyr553Cys). This variant is present in population databases (rs144540811, gnomAD 0.002%). This variant has not been reported in the literature in individuals affected with MTO1-related conditions. Advanced modeling of protein sequence and biophysical properties (such as structural, functional, and spatial information, amino acid conservation, physicochemical variation, residue mobility, and thermodynamic stability) performed at Invitae indicates that this missense variant is not expected to disrupt MTO1 protein function. In summary, the available evidence is currently insufficient to determine the role of this variant in disease. Therefore, it has been classified as a Variant of Uncertain Significance.